The following is an entry in ClinVar:

ClinVar aggregate classification (germline): Pathogenic (1 of 4 stars; one submission).

Submission:

Labcorp Genetics (formerly Invitae), Labcorp
Classification: Pathogenic. Last evaluated: 2024-06-24. Review status: criteria provided, single submitter. Criteria: Invitae Variant Classification Sherloc (09022015). Collection method: clinical testing. Allele origin: germline.
Comment: This sequence change creates a premature translational stop signal (p.Phe97Tyrfs*5) in the TMPRSS15 gene. It is expected to result in an absent or disrupted protein product. Loss-of-function variants in TMPRSS15 are known to be pathogenic (PMID: 11719902). This variant is not present in population databases (gnomAD no frequency). This variant has not been reported in the literature in individuals affected with TMPRSS15-related conditions. For these reasons, this variant has been classified as Pathogenic.

Literature cited by the submitters: PubMed 11719902.

NM_002772.3(TMPRSS15):c.290_293del (p.Phe97fs)

Gene: TMPRSS15 (transmembrane serine protease 15; minus strand). Cytogenetic location: 21q21.1.
Variant type: Deletion.
Coding change: c.290_293del on transcript NM_002772.3 (MANE Select); coding-DNA positions 290 to 293, 4 bases deleted (TTCT; older notation c.290_293delTTCT).
Protein change: p.Phe97fs; shifts the reading frame from phenylalanine 97.
Molecular consequence: frameshift variant.
Genome position (GRCh38, 1-based): chr21:18,397,930-18,397,933, AGAA deleted on the plus strand (TTCT on the coding strand, the reverse complement: TMPRSS15 is on the minus strand); deleting any 4 consecutive bases within chr21:18,397,930-18,397,936 gives the same sequence; the c. name uses the placement nearest the transcript's 3' end. VCF-style (leftmost placement, unchanged base first): chr21-18397929-TAGAA-T. GRCh37 (hg19) VCF-style: chr21-19770246-TAGAA-T.
Other names: c.290_293del, p.Phe97fs (NM_001428056.1, NM_001428057.1); short protein forms F97fs.
Identifiers: ClinVar variation 3698802 (VCV003698802.2).
Genomic context (GRCh38, chr21:18,397,929, plus strand): 5'-CTATACTCACTCAAATTGTAAAACTCTTGAGTTCTTATATTCATTCTTCAGATTGCTTGA[TAGAA>T]AGATCTCATCTATCTAGAAAAATATAAAAGATTGAATGAGTATACTAAATTTAGGATTTT-3'